The following is an entry in ClinVar:

NM_002546.4(TNFRSF11B):c.349T>C (p.Phe117Leu)

Gene: TNFRSF11B (TNF receptor superfamily member 11b; minus strand). Cytogenetic location: 8q24.12.
Variant type: single nucleotide variant.
Coding change: c.349T>C on transcript NM_002546.4 (MANE Select); coding-DNA position 349, T replaced by C.
Protein change: p.Phe117Leu; replaces phenylalanine 117 with leucine.
Molecular consequence: missense variant.
Genome position (GRCh38, 1-based): chr8:118,932,982, A>G on the plus strand (T>C on the coding strand, the complement: TNFRSF11B is on the minus strand). VCF-style: chr8-118932982-A-G. GRCh37 (hg19) VCF-style: chr8-119945221-A-G.
Other names: short protein forms F117L.
Identifiers: ClinVar variation 6971 (VCV000006971.6), dbSNP rs104894092, ClinGen allele CA118569.
Genomic context (GRCh38, chr8:118,932,982, plus strand): 5'-GACACGTACCAGCTTGCACCACTCCAAATCCAGGAGGGCAGCTCCTATGTTTCAAGCAGA[A>G]CTCTATCTCAAGGTAGCGCCCTTCCTTGCATTCGCACACGCGGTTGTGGGTGCGATTGCA-3'
Protein context (NP_002537.3, residues 107-127): CKEGRYLEIE[Phe117Leu]CLKHRSCPPG

ClinVar aggregate classification (germline): Uncertain significance. Review status: criteria provided, single submitter (1 of 4 stars). 2 submissions from 2 submitters: Uncertain significance (1). 1 of the submissions does not count toward it. Last evaluated 2023-03-13.

Conditions:
Hyperphosphatasemia with bone disease (PDB5). Also called: Osteoectasia familial; HYPEROSTOSIS CORTICALIS DEFORMANS JUVENILIS; HYPERPHOSPHATASEMIA, CHRONIC CONGENITAL IDIOPATHIC; HYPERPHOSPHATASIA, FAMILIAL IDIOPATHIC; PAGET DISEASE OF BONE 5, JUVENILE-ONSET; Paget disease of bone 5. Identifiers: Orphanet 2801, MedGen C0268414, MONDO:0009394, OMIM 239000.

Allele frequency attached by ClinVar (database versions not stated): gnomAD exomes 0.00001; gnomAD 0.00003; TOPMed 0.00003.
gnomAD v4.1: 10 of 1,613,934 alleles (0.00062%); highest among the groups gnomAD compares: Admixed American, 0.01%; no homozygotes.

Submissions (2):

Labcorp Genetics (formerly Invitae), Labcorp
Classification: Uncertain significance. Last evaluated: 2023-03-13. Review status: criteria provided, single submitter. Criteria: Invitae Variant Classification Sherloc (09022015). Collection method: clinical testing. Allele origin: germline.
Comment: In summary, the available evidence is currently insufficient to determine the role of this variant in disease. Therefore, it has been classified as a Variant of Uncertain Significance. Advanced modeling of protein sequence and biophysical properties (such as structural, functional, and spatial information, amino acid conservation, physicochemical variation, residue mobility, and thermodynamic stability) has been performed at Invitae for this missense variant, however the output from this modeling did not meet the statistical confidence thresholds required to predict the impact of this variant on TNFRSF11B protein function. ClinVar contains an entry for this variant (Variation ID: 6971). This variant is also known as T443C. This missense change has been observed in individuals with juvenile Paget disease (PMID: 14672344, 26762549, 34166796). This variant is not present in population databases (gnomAD no frequency). This sequence change replaces phenylalanine, which is neutral and non-polar, with leucine, which is neutral and non-polar, at codon 117 of the TNFRSF11B protein (p.Phe117Leu).

OMIM
Classification: Pathogenic for PAGET DISEASE OF BONE 5, JUVENILE-ONSET. Last evaluated: 2003-12-01. Review status: no assertion criteria provided. Collection method: literature only. Allele origin: germline. Not counted in ClinVar's aggregate classification.

Literature cited by the submitters: PubMed 14672344 (cited by Labcorp Genetics (formerly Invitae), Labcorp and OMIM); PubMed 26762549 (cited by Labcorp Genetics (formerly Invitae), Labcorp); PubMed 34166796 (cited by Labcorp Genetics (formerly Invitae), Labcorp).